The following is an entry in ClinVar:

NM_001369369.1(FOXN1):c.254G>A (p.Gly85Asp)

Gene: FOXN1 (forkhead box N1; plus strand). Cytogenetic location: 17q11.2.
Variant type: single nucleotide variant.
Coding change: c.254G>A on transcript NM_001369369.1 (MANE Select); coding-DNA position 254, G replaced by A.
Protein change: p.Gly85Asp; replaces glycine 85 with aspartic acid.
Molecular consequence: missense variant.
Genome position (GRCh38, 1-based): chr17:28,524,633, G>A. VCF-style: chr17-28524633-G-A. GRCh37 (hg19) VCF-style: chr17-26851651-G-A.
Other names: c.254G>A, p.Gly85Asp (NM_003593.3); short protein forms G85D.
Identifiers: ClinVar variation 570479 (VCV000570479.7), dbSNP rs868443961, ClinGen allele CA398320942.

ClinVar aggregate classification (germline): Uncertain significance. Review status: criteria provided, multiple submitters, no conflicts (2 of 4 stars). 2 submissions from 2 submitters: Uncertain significance (2). Last evaluated 2025-11-26.

Conditions:
Inborn genetic diseases. Identifiers: MedGen C0950123, MeSH D030342.
T-cell immunodeficiency, congenital alopecia, and nail dystrophy. Also called: Congenital alopecia and nail dystrophy associated with severe functional T-cell immunodeficiency; Pignata Guarino syndrome. Identifiers: Orphanet 169095, MedGen C1866426, MONDO:0011132, OMIM 601705.

Allele frequency attached by ClinVar (database versions not stated): gnomAD exomes below 0.00001 and 0.00001; TOPMed below 0.00001; gnomAD 0.00001.

Submissions (2):

Ambry Genetics
Classification: Uncertain significance for Inborn genetic diseases. Last evaluated: 2025-11-26. Review status: criteria provided, single submitter. Criteria: Ambry Variant Classification Scheme 2023. Collection method: clinical testing. Allele origin: germline.

Labcorp Genetics (formerly Invitae), Labcorp
Classification: Uncertain significance for T-cell immunodeficiency, congenital alopecia, and nail dystrophy. Last evaluated: 2025-06-10. Review status: criteria provided, single submitter. Criteria: Invitae Variant Classification Sherloc (09022015). Collection method: clinical testing. Allele origin: germline.
Comment: This sequence change replaces glycine, which is neutral and non-polar, with aspartic acid, which is acidic and polar, at codon 85 of the FOXN1 protein (p.Gly85Asp). This variant is present in population databases (no rsID available, gnomAD 0.0009%). This variant has not been reported in the literature in individuals affected with FOXN1-related conditions. ClinVar contains an entry for this variant (Variation ID: 570479). Invitae Evidence Modeling of protein sequence and biophysical properties (such as structural, functional, and spatial information, amino acid conservation, physicochemical variation, residue mobility, and thermodynamic stability) indicates that this missense variant is not expected to disrupt FOXN1 protein function with a negative predictive value of 80%. In summary, the available evidence is currently insufficient to determine the role of this variant in disease. Therefore, it has been classified as a Variant of Uncertain Significance.